The following is an entry in ClinVar:

ClinVar aggregate classification (germline): Pathogenic/Likely pathogenic. Review status: criteria provided, multiple submitters, no conflicts (2 of 4 stars). 2 submissions from 2 submitters: Pathogenic (1); Likely pathogenic (1). Last evaluated 2023-11-16.

Conditions:
Familial isolated deficiency of vitamin E (AVED). Also called: Ataxia with isolated vitamin E deficiency; ATAXIA, FRIEDREICH-LIKE, WITH SELECTIVE VITAMIN E DEFICIENCY. Identifiers: Orphanet 96, MedGen C1848533, MONDO:0010188, OMIM 277460.

Submissions (2):

Baylor Genetics
Classification: Likely pathogenic for Familial isolated deficiency of vitamin E. Last evaluated: 2023-11-16. Review status: criteria provided, single submitter. Criteria: ACMG Guidelines, 2015. Collection method: clinical testing. Allele origin: unknown.

Labcorp Genetics (formerly Invitae), Labcorp
Classification: Pathogenic. Last evaluated: 2023-04-26. Review status: criteria provided, single submitter. Criteria: Invitae Variant Classification Sherloc (09022015). Collection method: clinical testing. Allele origin: germline.
Comment: This sequence change creates a premature translational stop signal (p.His101Profs*28) in the TTPA gene. It is expected to result in an absent or disrupted protein product. Loss-of-function variants in TTPA are known to be pathogenic (PMID: 9463307, 26068213). This variant is not present in population databases (gnomAD no frequency). This variant has not been reported in the literature in individuals affected with TTPA-related conditions. Algorithms developed to predict the effect of sequence changes on RNA splicing suggest that this variant may disrupt the consensus splice site. For these reasons, this variant has been classified as Pathogenic.

Literature cited by the submitters: PubMed 9463307 (cited by Labcorp Genetics (formerly Invitae), Labcorp); PubMed 26068213 (cited by Labcorp Genetics (formerly Invitae), Labcorp).

NM_000370.3(TTPA):c.302_309del (p.His101fs)

Gene: TTPA (alpha tocopherol transfer protein; minus strand). Cytogenetic location: 8q12.3.
Variant type: Deletion.
Coding change: c.302_309del on transcript NM_000370.3 (MANE Select); coding-DNA positions 302 to 309, 8 bases deleted (ATGGAGTC; older notation c.302_309delATGGAGTC).
Protein change: p.His101fs; shifts the reading frame from histidine 101.
Molecular consequence: frameshift variant. On other transcripts: non-coding transcript variant (2), intron variant (2).
Genome position (GRCh38, 1-based): chr8:63,072,984-63,072,991, GACTCCAT deleted on the plus strand (ATGGAGTC on the coding strand, the reverse complement: TTPA is on the minus strand); deleting any 8 consecutive bases within chr8:63,072,984-63,072,992 gives the same sequence; the c. name uses the placement nearest the transcript's 3' end. VCF-style (leftmost placement, unchanged base first): chr8-63072983-GGACTCCAT-G. GRCh37 (hg19) VCF-style: chr8-63985542-GGACTCCAT-G.
Other names: c.302_309del, p.His101fs (NM_001413415.1, NM_001413416.1, NM_001413418.1); c.205-11566_205-11559del (NM_001413417.1); c.205-8675_205-8668del (NM_001413414.1); short protein forms H101fs.
Identifiers: ClinVar variation 2679385 (VCV002679385.5), dbSNP rs1805505628, ClinGen allele CA1788938329.